The following is an entry in ClinVar:

NM_002471.4(MYH6):c.3243G>T (p.Lys1081Asn)

Gene: MYH6 (myosin heavy chain 6; minus strand). Cytogenetic location: 14q11.2.
Variant type: single nucleotide variant.
Coding change: c.3243G>T on transcript NM_002471.4 (MANE Select); coding-DNA position 3243, G replaced by T.
Protein change: p.Lys1081Asn; replaces lysine 1081 with asparagine.
Molecular consequence: missense variant.
Genome position (GRCh38, 1-based): chr14:23,392,920, C>A on the plus strand (G>T on the coding strand, the complement: MYH6 is on the minus strand). VCF-style: chr14-23392920-C-A. GRCh37 (hg19) VCF-style: chr14-23862129-C-A.
Other names: short protein forms K1081N.
Identifiers: ClinVar variation 518700 (VCV000518700.5), dbSNP rs1555333894, ClinGen allele CA389007545.
Genomic context (GRCh38, chr14:23,392,920, plus strand): 5'-CTACCAGGCCAGACACCTCCATTAGCCCCTCCTGGCCACCACAGTCTCCTACTTCTTAAG[C>A]TTTTCTTCCAGCTGCAGTTTATCATTTTCCAGGTCCATGATGCTCTCCTGGGTCAGCTTC-3'
Protein context (NP_002462.2, residues 1071-1091): LENDKLQLEE[Lys1081Asn]LKKKEFDINQ

ClinVar aggregate classification (germline): Uncertain significance (1 of 4 stars; one submission).

Conditions:
Cardiovascular phenotype. Identifiers: MedGen CN230736.

Submission:

Ambry Genetics
Classification: Uncertain significance for Cardiovascular phenotype. Last evaluated: 2017-09-01. Review status: criteria provided, single submitter. Criteria: Ambry Variant Classification Scheme 2023. Collection method: clinical testing. Allele origin: germline.
Comment: The p.K1081N variant (also known as c.3243G>T), located in coding exon 22 of the MYH6 gene, results from a G to T substitution at nucleotide position 3243. The lysine at codon 1081 is replaced by asparagine, an amino acid with similar properties. This amino acid position is well conserved in available vertebrate species. In addition, this alteration is predicted to be tolerated by in silico analysis. Since supporting evidence is limited at this time, the clinical significance of this alteration remains unclear.